The following is an entry in ClinVar:

NM_000492.4(CFTR):c.1248T>G (p.Asn416Lys)

Genes: CFTR (CF transmembrane conductance regulator; plus strand), CFTR-AS1 (CFTR antisense RNA 1; minus strand). Cytogenetic location: 7q31.2.
Variant type: single nucleotide variant.
Coding change: c.1248T>G on transcript NM_000492.4 (MANE Select); coding-DNA position 1248, T replaced by G.
Protein change: p.Asn416Lys; replaces asparagine 416 with lysine.
Molecular consequence: missense variant.
Genome position (GRCh38, 1-based): chr7:117,548,679, T>G. VCF-style: chr7-117548679-T-G. GRCh37 (hg19) VCF-style: chr7-117188733-T-G.
Other names: short protein forms N416K.
Identifiers: ClinVar variation 3649389 (VCV003649389.2).

ClinVar aggregate classification (germline): Uncertain significance (1 of 4 stars; one submission).

Conditions:
Cystic fibrosis (CF). Also called: MUCOVISCIDOSIS. Identifiers: Orphanet 586, MedGen C0010674, MONDO:0009061, OMIM 219700. Disease mechanism: loss of function.

Submission:

Labcorp Genetics (formerly Invitae), Labcorp
Classification: Uncertain significance for Cystic fibrosis. Last evaluated: 2024-05-08. Review status: criteria provided, single submitter. Criteria: Invitae Variant Classification Sherloc (09022015). Collection method: clinical testing. Allele origin: germline.
Comment: This sequence change replaces asparagine, which is neutral and polar, with lysine, which is basic and polar, at codon 416 of the CFTR protein (p.Asn416Lys). This variant is not present in population databases (gnomAD no frequency). This variant has not been reported in the literature in individuals affected with CFTR-related conditions. Advanced modeling of protein sequence and biophysical properties (such as structural, functional, and spatial information, amino acid conservation, physicochemical variation, residue mobility, and thermodynamic stability) performed at Invitae indicates that this missense variant is expected to disrupt CFTR protein function with a positive predictive value of 80%. In summary, the available evidence is currently insufficient to determine the role of this variant in disease. Therefore, it has been classified as a Variant of Uncertain Significance.